The following is an entry in ClinVar:

ClinVar aggregate classification (germline): Uncertain significance. Review status: criteria provided, multiple submitters, no conflicts (2 of 4 stars). 2 submissions from 2 submitters: Uncertain significance (2). Last evaluated 2025-05-13.

Conditions:
Dilated cardiomyopathy 1KK (CMD1KK). Identifiers: Orphanet 154, Orphanet 75249, MedGen C3714995, MONDO:0014100, OMIM 615248.

Allele frequency attached by ClinVar (database versions not stated): gnomAD 0.00001; gnomAD exomes 0.00001 and 0.00003; ExAC 0.00002; TOPMed 0.00003.
gnomAD v4.1: 11 of 1,613,954 alleles (0.00068%); highest among the groups gnomAD compares: Admixed American, 0.015%; no homozygotes.

Submissions (2):

Women's Health and Genetics/Laboratory Corporation of America, LabCorp
Classification: Uncertain significance. Last evaluated: 2025-05-13. Review status: criteria provided, single submitter. Criteria: LabCorp Variant Classification Summary - May 2015. Collection method: clinical testing. Allele origin: germline.
Comment: Variant summary: MYPN c.1649C>T (p.Thr550Ile) results in a non-conservative amino acid change in the encoded protein sequence. Algorithms developed to predict the effect of missense changes on protein structure and function are either unavailable or do not agree on the potential impact of this missense change. The variant allele was found at a frequency of 2.8e-05 in 251406 control chromosomes. The available data on variant occurrences in the general population are insufficient to allow any conclusion about variant significance. To our knowledge, no occurrence of c.1649C>T in individuals affected with Cardiomyopathy and no experimental evidence demonstrating its impact on protein function have been reported. ClinVar contains an entry for this variant (Variation ID: 1508532). Based on the evidence outlined above, the variant was classified as uncertain significance.

Labcorp Genetics (formerly Invitae), Labcorp
Classification: Uncertain significance for Dilated cardiomyopathy 1KK. Last evaluated: 2022-08-03. Review status: criteria provided, single submitter. Criteria: Invitae Variant Classification Sherloc (09022015). Collection method: clinical testing. Allele origin: germline.
Comment: In summary, the available evidence is currently insufficient to determine the role of this variant in disease. Therefore, it has been classified as a Variant of Uncertain Significance. Algorithms developed to predict the effect of missense changes on protein structure and function output the following: SIFT: "Tolerated"; PolyPhen-2: "Benign"; Align-GVGD: "Class C0". The isoleucine amino acid residue is found in multiple mammalian species, which suggests that this missense change does not adversely affect protein function. ClinVar contains an entry for this variant (Variation ID: 1508532). This variant has not been reported in the literature in individuals affected with MYPN-related conditions. This variant is present in population databases (rs761571128, gnomAD 0.02%). This sequence change replaces threonine, which is neutral and polar, with isoleucine, which is neutral and non-polar, at codon 550 of the MYPN protein (p.Thr550Ile).

NM_032578.4(MYPN):c.1649C>T (p.Thr550Ile)

Gene: MYPN (myopalladin; plus strand). Cytogenetic location: 10q21.3.
Variant type: single nucleotide variant.
Coding change: c.1649C>T on transcript NM_032578.4 (MANE Select); coding-DNA position 1649, C replaced by T.
Protein change: p.Thr550Ile; replaces threonine 550 with isoleucine.
Molecular consequence: missense variant. On other transcripts: non-coding transcript variant (2).
Genome position (GRCh38, 1-based): chr10:68,166,342, C>T. VCF-style: chr10-68166342-C-T. GRCh37 (hg19) VCF-style: chr10-69926099-C-T.
Other names: c.1649C>T, p.Thr550Ile (NM_001256267.2); c.767C>T, p.Thr256Ile (NM_001256268.2); short protein forms T550I, T256I.
Identifiers: ClinVar variation 1508532 (VCV001508532.9), dbSNP rs761571128, ClinGen allele CA5522632.